The following is an entry in ClinVar:

ClinVar aggregate classification (germline): Uncertain significance. Review status: criteria provided, multiple submitters, no conflicts (2 of 4 stars). 2 submissions from 2 submitters: Uncertain significance (2). Last evaluated 2025-01-20.

Conditions:
Spastic paraplegia. Identifiers: MedGen C0037772, HP:0001258.
Inborn genetic diseases. Identifiers: MedGen C0950123, MeSH D030342.

Allele frequency attached by ClinVar (database versions not stated): ExAC 0.00003; gnomAD 0.00003 and 0.00004; TOPMed 0.00003.

Submissions (2):

Ambry Genetics
Classification: Uncertain significance for Inborn genetic diseases. Last evaluated: 2025-01-20. Review status: criteria provided, single submitter. Criteria: Ambry Variant Classification Scheme 2023. Collection method: clinical testing. Allele origin: germline.

Labcorp Genetics (formerly Invitae), Labcorp
Classification: Uncertain significance for Spastic paraplegia. Last evaluated: 2021-08-31. Review status: criteria provided, single submitter. Criteria: Invitae Variant Classification Sherloc (09022015). Collection method: clinical testing. Allele origin: germline.
Comment: This sequence change replaces valine with isoleucine at codon 606 of the GBA2 protein (p.Val606Ile). The valine residue is moderately conserved and there is a small physicochemical difference between valine and isoleucine. This variant is present in population databases (rs754032114, ExAC 0.006%). This variant has not been reported in the literature in individuals affected with GBA2-related conditions. Algorithms developed to predict the effect of missense changes on protein structure and function output the following: SIFT: "Tolerated"; PolyPhen-2: "Benign"; Align-GVGD: "Class C0". The isoleucine amino acid residue is found in multiple mammalian species, which suggests that this missense change does not adversely affect protein function. In summary, the available evidence is currently insufficient to determine the role of this variant in disease. Therefore, it has been classified as a Variant of Uncertain Significance.

NM_020944.3(GBA2):c.1816G>A (p.Val606Ile)

Gene: GBA2 (glucosylceramidase beta 2; minus strand). Cytogenetic location: 9p13.3.
Variant type: single nucleotide variant.
Coding change: c.1816G>A on transcript NM_020944.3 (MANE Select); coding-DNA position 1816, G replaced by A.
Protein change: p.Val606Ile; replaces valine 606 with isoleucine.
Molecular consequence: missense variant.
Genome position (GRCh38, 1-based): chr9:35,738,883, C>T on the plus strand (G>A on the coding strand, the complement: GBA2 is on the minus strand). VCF-style: chr9-35738883-C-T. GRCh37 (hg19) VCF-style: chr9-35738880-C-T.
Other names: c.1816G>A, p.Val606Ile (NM_001330660.2); short protein forms V606I.
Identifiers: ClinVar variation 573605 (VCV000573605.7), dbSNP rs754032114, ClinGen allele CA5050268.
Genomic context (GRCh38, chr9:35,738,883, plus strand): 5'-GCACAAACTTCAGGTTCAGGTCCTTCCAATCAGCAGTATCATGGATTAAATATGCATTGA[C>T]GCGGAGCCATGGTTCATCATCTGTGGGAGAGGAGGGGACTTGGGTCACTTGCATTGGTGG-3'
Protein context (NP_065995.1, residues 596-616): GDPDDEPWLR[Val606Ile]NAYLIHDTAD